The following is an entry in ClinVar:

ClinVar aggregate classification (germline): Uncertain significance (1 of 4 stars; one submission).

Submission:

CeGaT Center for Human Genetics Tuebingen
Classification: Uncertain significance. Last evaluated: 2023-04-01. Review status: criteria provided, single submitter. Criteria: CeGaT Center For Human Genetics Tuebingen Variant Classification Criteria Version 2. Collection method: clinical testing. Allele origin: germline. Affected: yes. Observed: 2 variant alleles.
Comment: HLA-DRB1: PM2, BP4

NM_002124.4(HLA-DRB1):c.61G>A (p.Val21Met)

Gene: HLA-DRB1 (major histocompatibility complex, class II, DR beta 1; minus strand). Cytogenetic location: 6p21.32.
Variant type: single nucleotide variant.
Coding change: c.61G>A on transcript NM_002124.4 (MANE Select); coding-DNA position 61, G replaced by A.
Protein change: p.Val21Met; replaces valine 21 with methionine.
Molecular consequence: missense variant.
Genome position (GRCh38, 1-based): chr6:32,589,682, C>T on the plus strand (G>A on the coding strand, the complement: HLA-DRB1 is on the minus strand). VCF-style: chr6-32589682-C-T. GRCh37 (hg19) VCF-style: chr6-32557459-C-T.
Other names: short protein forms V21M.
Identifiers: ClinVar variation 2656465 (VCV002656465.24), dbSNP rs2150822601, ClinGen allele CA363569264.